The following is an entry in ClinVar:

ClinVar aggregate classification (germline): Uncertain significance (1 of 4 stars; one submission).

Allele frequency attached by ClinVar (database versions not stated): TOPMed below 0.00001.

Submission:

Labcorp Genetics (formerly Invitae), Labcorp
Classification: Uncertain significance. Last evaluated: 2021-09-26. Review status: criteria provided, single submitter. Criteria: Invitae Variant Classification Sherloc (09022015). Collection method: clinical testing. Allele origin: germline.
Comment: In summary, the available evidence is currently insufficient to determine the role of this variant in disease. Therefore, it has been classified as a Variant of Uncertain Significance. Algorithms developed to predict the effect of missense changes on protein structure and function are either unavailable or do not agree on the potential impact of this missense change (SIFT: "Deleterious"; PolyPhen-2: "Probably Damaging"; Align-GVGD: "Class C0"). This variant has not been reported in the literature in individuals affected with SKIV2L-related conditions. This variant is not present in population databases (ExAC no frequency). This sequence change replaces isoleucine with methionine at codon 940 of the SKIV2L protein (p.Ile940Met). The isoleucine residue is highly conserved and there is a small physicochemical difference between isoleucine and methionine.

NM_006929.5(SKIC2):c.2820C>G (p.Ile940Met)

Gene: SKIC2 (SKI2 subunit of superkiller complex; plus strand). Cytogenetic location: 6p21.33.
Variant type: single nucleotide variant.
Coding change: c.2820C>G on transcript NM_006929.5 (MANE Select); coding-DNA position 2820, C replaced by G.
Protein change: p.Ile940Met; replaces isoleucine 940 with methionine.
Molecular consequence: missense variant.
Genome position (GRCh38, 1-based): chr6:31,968,044, C>G. VCF-style: chr6-31968044-C-G. GRCh37 (hg19) VCF-style: chr6-31935821-C-G.
Other names: short protein forms I940M.
Identifiers: ClinVar variation 1373386 (VCV001373386.6), dbSNP rs1024998831, ClinGen allele CA136913295.